The following is an entry in ClinVar:

NM_015046.7(SETX):c.1810A>G (p.Thr604Ala)

Gene: SETX (senataxin; minus strand). Cytogenetic location: 9q34.13.
Variant type: single nucleotide variant.
Coding change: c.1810A>G on transcript NM_015046.7 (MANE Select); coding-DNA position 1810, A replaced by G.
Protein change: p.Thr604Ala; replaces threonine 604 with alanine.
Molecular consequence: missense variant.
Genome position (GRCh38, 1-based): chr9:132,329,788, T>C on the plus strand (A>G on the coding strand, the complement: SETX is on the minus strand). VCF-style: chr9-132329788-T-C. GRCh37 (hg19) VCF-style: chr9-135205175-T-C.
Other names: c.1810A>G, p.Thr604Ala (NM_001351527.2, NM_001351528.2); short protein forms T604A.
Identifiers: ClinVar variation 1399237 (VCV001399237.8), dbSNP rs957434595, ClinGen allele CA200813700.
Genomic context (GRCh38, chr9:132,329,788, plus strand): 5'-TTTCTTCTTTATTATAAGATGCAGGAGAGATTTTACATGCAGAAGTCAGATCCACAAAAG[T>C]GTTACATGGAGGTGCTTTGAATTTTATGTTTCTAATAATTTGCTTTAAGCAACTTTGTAG-3'
Protein context (NP_055861.3, residues 594-614): NIKFKAPPCN[Thr604Ala]FVDLTSACKI

ClinVar aggregate classification (germline): Uncertain significance (1 of 4 stars; one submission).

Conditions:
Spinocerebellar ataxia, autosomal recessive, with axonal neuropathy 2 (SCAN2). Also called: Ataxia-ocular apraxia-2; Ataxia with Oculomotor Apraxia; Ataxia with Oculomotor Apraxia Type 2; ATAXIA-OCULOMOTOR APRAXIA 2. Identifiers: Orphanet 64753, MedGen C1853761, MONDO:0018996, OMIM 606002.
Amyotrophic lateral sclerosis type 4 (ALS4). Also called: AMYOTROPHIC LATERAL SCLEROSIS 4, JUVENILE; NEURONOPATHY, DISTAL HEREDITARY MOTOR, WITH PYRAMIDAL FEATURES. Identifiers: Orphanet 357043, MedGen C1865409, MONDO:0011223, OMIM 602433.

Allele frequency attached by ClinVar (database versions not stated): gnomAD exomes below 0.00001; gnomAD 0.00001; TOPMed 0.00002.

Submission:

Labcorp Genetics (formerly Invitae), Labcorp
Classification: Uncertain significance for Amyotrophic lateral sclerosis type 4; Spinocerebellar ataxia, autosomal recessive, with axonal neuropathy 2. Last evaluated: 2022-09-10. Review status: criteria provided, single submitter. Criteria: Invitae Variant Classification Sherloc (09022015). Collection method: clinical testing. Allele origin: germline.
Comment: This sequence change replaces threonine, which is neutral and polar, with alanine, which is neutral and non-polar, at codon 604 of the SETX protein (p.Thr604Ala). This variant is not present in population databases (gnomAD no frequency). In summary, the available evidence is currently insufficient to determine the role of this variant in disease. Therefore, it has been classified as a Variant of Uncertain Significance. Advanced modeling of protein sequence and biophysical properties (such as structural, functional, and spatial information, amino acid conservation, physicochemical variation, residue mobility, and thermodynamic stability) performed at Invitae indicates that this missense variant is not expected to disrupt SETX protein function. ClinVar contains an entry for this variant (Variation ID: 1399237). This variant has not been reported in the literature in individuals affected with SETX-related conditions.